The following is an entry in ClinVar:

ClinVar aggregate classification (germline): Uncertain significance. Review status: criteria provided, multiple submitters, no conflicts (2 of 4 stars). 3 submissions from 3 submitters: Uncertain significance (2). 1 of the submissions does not count toward it. Last evaluated 2025-10-17.

Conditions:
Inborn genetic diseases. Identifiers: MedGen C0950123, MeSH D030342.
Usher syndrome type 1C. Also called: USHER SYNDROME, TYPE I, ACADIAN VARIETY. Identifiers: Orphanet 231169, Orphanet 886, MedGen C1848604, MONDO:0010171, OMIM 276904.

Allele frequency attached by ClinVar (database versions not stated): TOPMed 0.00005; ESP Exome Variant Server 0.00008.
gnomAD v4.1: 29 of 1,613,556 alleles (0.0018%); highest among the groups gnomAD compares: Admixed American, 0.012%; no homozygotes.

Submissions (3):

Ambry Genetics
Classification: Uncertain significance for Inborn genetic diseases. Last evaluated: 2025-10-17. Review status: criteria provided, single submitter. Criteria: Ambry Variant Classification Scheme 2023. Collection method: clinical testing. Allele origin: germline.

Labcorp Genetics (formerly Invitae), Labcorp
Classification: Uncertain significance. Last evaluated: 2022-06-27. Review status: criteria provided, single submitter. Criteria: Invitae Variant Classification Sherloc (09022015). Collection method: clinical testing. Allele origin: germline.
Comment: This sequence change replaces methionine, which is neutral and non-polar, with threonine, which is neutral and polar, at codon 442 of the USH1C protein (p.Met442Thr). This variant is present in population databases (rs200182990, gnomAD 0.01%). This variant has not been reported in the literature in individuals affected with USH1C-related conditions. ClinVar contains an entry for this variant (Variation ID: 943545). Algorithms developed to predict the effect of missense changes on protein structure and function are either unavailable or do not agree on the potential impact of this missense change (SIFT: "Deleterious"; PolyPhen-2: "Benign"; Align-GVGD: "Class C0"). In summary, the available evidence is currently insufficient to determine the role of this variant in disease. Therefore, it has been classified as a Variant of Uncertain Significance.

Natera, Inc.
Classification: Uncertain significance for Usher syndrome type 1C. Last evaluated: 2020-03-29. Review status: no assertion criteria provided. Collection method: clinical testing. Allele origin: germline. Not counted in ClinVar's aggregate classification.

NM_153676.4(USH1C):c.2225T>C (p.Met742Thr)

Gene: USH1C (USH1 protein network component harmonin; minus strand). Cytogenetic location: 11p15.1.
Variant type: single nucleotide variant.
Coding change: c.2225T>C on transcript NM_153676.4 (MANE Select); coding-DNA position 2225, T replaced by C.
Protein change: p.Met742Thr; replaces methionine 742 with threonine.
Molecular consequence: missense variant. On other transcripts: non-coding transcript variant (1).
Genome position (GRCh38, 1-based): chr11:17,501,940, A>G on the plus strand (T>C on the coding strand, the complement: USH1C is on the minus strand). VCF-style: chr11-17501940-A-G. GRCh37 (hg19) VCF-style: chr11-17523487-A-G.
Other names: c.1268T>C, p.Met423Thr (NM_001297764.2); c.1325T>C, p.Met442Thr (NM_005709.4); short protein forms M423T, M742T, M442T.
Identifiers: ClinVar variation 943545 (VCV000943545.5), dbSNP rs200182990, ClinGen allele CA5904295.
Genomic context (GRCh38, chr11:17,501,940, plus strand): 5'-ACCCCCACACTGCCCTGTTCCTGGGGTTACTTGTCCAGGAGAGAAGCGTCATCTCTTACC[A>G]TAGAGTAGGGGTCAAAGCCTTCCTCATATTTCCGGAAATCCTGGAAGCAAAGGGAGGGCT-3'
Protein context (NP_710142.1, residues 732-752): KYEEGFDPYS[Met742Thr]FTPEQIMGKD